The following is an entry in ClinVar:

ClinVar aggregate classification (germline): Benign. Review status: criteria provided, multiple submitters, no conflicts (2 of 4 stars). 17 submissions from 16 submitters: Benign (14). 3 of the submissions do not count toward it. Last evaluated 2026-02-04.

Conditions:
Alport syndrome. Also called: Hemorrhagic familial nephritis; Hemorrhagic hereditary nephritis; Congenital hereditary hematuria. Identifiers: Orphanet 63, MedGen C1567741, MONDO:0018965.
Autosomal dominant Alport syndrome (ATS3A). Also called: Alport syndrome dominant type; Renal failure and sensorineural hearing loss; ALPORT SYNDROME 3A, AUTOSOMAL DOMINANT. Identifiers: Orphanet 63, Orphanet 88918, MedGen C5882663, MONDO:0007086, OMIM 104200.
Autosomal recessive Alport syndrome (ATS2). Also called: ALPORT SYNDROME 2, AUTOSOMAL RECESSIVE; Alport syndrome type 2; COL4A4 Alport Syndrome and Thin Basement Membrane Nephropathy; COL4A3-Related Nephropathy. Identifiers: Orphanet 63, Orphanet 88919, MedGen C4746745, MONDO:0008762, OMIM 203780.

Allele frequency attached by ClinVar (database versions not stated): 1000 Genomes Project 0.23023; 1000 Genomes Project 30x 0.23798; TOPMed 0.31799; ESP Exome Variant Server 0.35109.
gnomAD v4.1: 543,490 of 1,604,472 alleles (34%); highest among the groups gnomAD compares: Non-Finnish European, 37%; 97,778 homozygotes.

Submissions (17):

Labcorp Genetics (formerly Invitae), Labcorp
Classification: Benign. Last evaluated: 2026-02-04. Review status: criteria provided, single submitter. Criteria: Invitae Variant Classification Sherloc (09022015). Collection method: clinical testing. Allele origin: germline.

ARUP Laboratories, Molecular Genetics and Genomics, ARUP Laboratories
Classification: Benign. Last evaluated: 2025-07-16. Review status: criteria provided, single submitter. Criteria: ARUP Molecular Germline Variant Investigation Process 2024. Collection method: clinical testing. Allele origin: germline.

Blueprint Genetics
Classification: Benign. Last evaluated: 2024-11-26. Review status: criteria provided, single submitter. Criteria: ACMG Guidelines, 2015. Collection method: clinical testing. Allele origin: germline.

Unidad de Genómica Garrahan, Hospital de Pediatría Garrahan
Classification: Benign. Last evaluated: 2024-07-15. Review status: criteria provided, single submitter. Criteria: ACMG Guidelines, 2015. Collection method: clinical testing. Allele origin: germline. Affected: no. Observed: 29 variant alleles.
Comment: This variant is classified as Benign based on local population frequency. This variant was detected in 31% of patients studied in a panel designed for Epileptic and Developmental Encephalopathy and Progressive Myoclonus Epilepsy. Number of patients: 29. Only high quality variants are reported.

Mayo Clinic Laboratories, Mayo Clinic
Classification: Benign. Last evaluated: 2022-03-09. Review status: criteria provided, single submitter. Criteria: ACMG Guidelines, 2015. Collection method: clinical testing. Allele origin: germline. Observed: 199 variant alleles.

Genome-Nilou Lab
Classification: Benign for Autosomal dominant Alport syndrome. Last evaluated: 2021-07-30. Review status: criteria provided, single submitter. Criteria: ACMG Guidelines, 2015. Collection method: clinical testing. Allele origin: germline. Affected: no.

Genome-Nilou Lab
Classification: Benign for Autosomal recessive Alport syndrome. Last evaluated: 2021-06-10. Review status: criteria provided, single submitter. Criteria: ACMG Guidelines, 2015. Collection method: clinical testing. Allele origin: germline. Affected: no.

Athena Diagnostics
Classification: Benign. Last evaluated: 2021-04-22. Review status: criteria provided, single submitter. Criteria: Athena Diagnostics Criteria. Collection method: clinical testing. Allele origin: unknown.

Illumina Laboratory Services, Illumina
Classification: Benign for Alport syndrome. Last evaluated: 2018-01-13. Review status: criteria provided, single submitter. Criteria: ICSL Variant Classification Criteria 13 December 2019. Collection method: clinical testing. Allele origin: germline.
Comment: This variant was observed in the ICSL laboratory as part of a predisposition screen in an ostensibly healthy population. It had not been previously curated by ICSL or reported in the Human Gene Mutation Database (HGMD: prior to June 1st, 2018), and was therefore a candidate for classification through an automated scoring system. Utilizing variant allele frequency, disease prevalence and penetrance estimates, and inheritance mode, an automated score was calculated to assess if this variant is too frequent to cause the disease. Based on the score and internal cut-off values, a variant classified as benign is not then subjected to further curation. The score for this variant resulted in a classification of benign for this disease.

Women's Health and Genetics/Laboratory Corporation of America, LabCorp
Classification: Benign. Last evaluated: 2017-09-11. Review status: criteria provided, single submitter. Criteria: LabCorp Variant Classification Summary - May 2015. Collection method: clinical testing. Allele origin: germline.
Comment: Variant summary: The COL4A3 c.127G>C (p.Gly43Arg) variant involves the alteration of a non-conserved nucleotide. 4/5 in silico tools predict a damaging outcome for this variant. This variant was found in 34826/120756 control chromosomes (5825 homozygotes) at a frequency of 0.2883997, which is approximately 141 times the estimated maximal expected allele frequency of a pathogenic COL4A3 variant (0.0020412), suggesting this variant is likely a benign polymorphism. In addition, multiple clinical diagnostic laboratories/reputable databases/literature classified this variant as benign. Taken together, this variant is classified as benign.

GeneDx
Classification: Benign. Last evaluated: 2017-05-09. Review status: criteria provided, single submitter. Criteria: GeneDx Variant Classification (06012015). Collection method: clinical testing. Allele origin: germline. Affected: yes.
Comment: This variant is considered likely benign or benign based on one or more of the following criteria: it is a conservative change, it occurs at a poorly conserved position in the protein, it is predicted to be benign by multiple in silico algorithms, and/or has population frequency not consistent with disease.

Laboratory for Molecular Medicine, Mass General Brigham Personalized Medicine
Classification: Benign. Last evaluated: 2016-03-21. Review status: criteria provided, single submitter. Criteria: LMM Criteria. Collection method: clinical testing. Allele origin: germline. Observed: 153 variant alleles.
Comment: p.Gly43Arg in exon 2 of COL4A3: This variant is not expected to have clinical si gnificance because it has been identified in 36.20% (24153/66730) of European ch romosomes by the Exome Aggregation Consortium (ExAC. org; dbSNP rs13424243).

Breakthrough Genomics
Classification: Benign. Review status: criteria provided, single submitter. Criteria: ACMG Guidelines, 2015. Collection method: not provided. Allele origin: germline. Inheritance: Autosomal recessive inheritance. Affected: yes.

PreventionGenetics, part of Exact Sciences
Classification: Benign. Review status: criteria provided, single submitter. Criteria: ACMG Guidelines, 2015. Collection method: clinical testing. Allele origin: germline.

Natera, Inc.
Classification: Benign for Alport syndrome. Last evaluated: 2020-09-16. Review status: no assertion criteria provided. Collection method: clinical testing. Allele origin: germline. Not counted in ClinVar's aggregate classification.

Genome Diagnostics Laboratory, University Medical Center Utrecht
Classification: Benign. Review status: no assertion criteria provided. Collection method: clinical testing. Allele origin: germline. Affected: yes. Study: VKGL Data-share Consensus. Not counted in ClinVar's aggregate classification.

Joint Genome Diagnostic Labs from Nijmegen and Maastricht, Radboudumc and MUMC+
Classification: Benign. Review status: no assertion criteria provided. Collection method: clinical testing. Allele origin: germline. Affected: yes. Study: VKGL Data-share Consensus. Not counted in ClinVar's aggregate classification.

Literature cited by the submitters: PubMed 26934356 (cited by Women's Health and Genetics/Laboratory Corporation of America, LabCorp).

NM_000091.5(COL4A3):c.127G>C (p.Gly43Arg)

Genes: COL4A3 (collagen type IV alpha 3 chain; plus strand), MFF-DT (MFF divergent transcript; minus strand). Cytogenetic location: 2q36.3.
Variant type: single nucleotide variant.
Coding change: c.127G>C on transcript NM_000091.5 (MANE Select); coding-DNA position 127, G replaced by C.
Protein change: p.Gly43Arg; replaces glycine 43 with arginine.
Molecular consequence: missense variant.
Genome position (GRCh38, 1-based): chr2:227,238,007, G>C. VCF-style: chr2-227238007-G-C. GRCh37 (hg19) VCF-style: chr2-228102723-G-C.
Other names: short protein forms G43R.
Identifiers: ClinVar variation 254978 (VCV000254978.42), dbSNP rs13424243, ClinGen allele CA2145910.